The following is an entry in ClinVar:

ClinVar aggregate classification (germline): Likely pathogenic (1 of 4 stars; one submission).

Conditions:
Waardenburg syndrome type 1 (WS1). Also called: Waardenburg Syndrome Type I; WAARDENBURG SYNDROME WITH DYSTOPIA CANTHORUM. Identifiers: Orphanet 894, MedGen C1847800, MONDO:0008670, OMIM 193500.

Submission:

Breakthrough Genomics
Classification: Likely pathogenic for Waardenburg syndrome type 1. Last evaluated: 2020-04-03. Review status: criteria provided, single submitter. Criteria: ACMG Guidelines, 2015. Collection method: clinical testing. Allele origin: germline. Affected: yes.
Comment: This variant is predicted to cause a frameshift and consequent premature termination of the protein (p.Glu176ArgfsTer17) and this will likely result in loss-of-function. Due to the introduction of a premature stop codon, this aberrant transcript will likely be targeted by the nonsense- mediated mRNA decay (NMD) mechanism [PMID: 15040442]. The variant seems to be a novel variant, as it has not been previously reported in population databases or in the literature. However, several other truncating variants lying downstream of the variant, have been previously reported as pathogenic in the ClinVar database context of Waardenburg syndrome type 1.

NM_181458.4(PAX3):c.526del (p.Glu176fs)

Gene: PAX3 (paired box 3; minus strand). Cytogenetic location: 2q36.1.
Variant type: Deletion.
Coding change: c.526del on transcript NM_181458.4 (MANE Select); coding-DNA position 526, one base deleted (G; older notation c.526delG).
Protein change: p.Glu176fs; shifts the reading frame from glutamic acid 176.
Molecular consequence: frameshift variant.
Genome position (GRCh38, 1-based): chr2:222,294,227, C deleted on the plus strand (G on the coding strand, the reverse complement: PAX3 is on the minus strand); the first of 2 consecutive C bases (chr2:222,294,227-222,294,228); deleting either gives the same sequence. VCF-style (leftmost placement, unchanged base first): chr2-222294226-TC-T. GRCh37 (hg19) VCF-style: chr2-223158945-TC-T.
Other names: p.Glu176ArgfsTer17; c.526del, p.Glu176fs (NM_000438.6, NM_013942.5, NM_181457.4 and 3 more transcripts); c.523del, p.Glu175fs (NM_001127366.3); short protein forms E175fs, E176fs.
Identifiers: ClinVar variation 3255589 (VCV003255589.2).
Genomic context (GRCh38, chr2:222,294,226, plus strand): 5'-CCTCGCTCGCTCAGGATGCCGTCGATGCTGTGTTTGGCCTTCTTCTCGCTTTCCTCTGCC[TC>T]CTTCCTCTCCAAGTCGGCCTCCTCCTCTTCACCTTTCCCGAATTTACTTCTCAGGATGCG-3'